The following is an entry in ClinVar:

NM_013444.4(UBQLN2):c.49C>T (p.Pro17Ser)

Gene: UBQLN2 (ubiquilin 2; plus strand). Cytogenetic location: Xp11.21.
Variant type: single nucleotide variant.
Coding change: c.49C>T on transcript NM_013444.4 (MANE Select); coding-DNA position 49, C replaced by T.
Protein change: p.Pro17Ser; replaces proline 17 with serine.
Molecular consequence: missense variant.
Genome position (GRCh38, 1-based): chrX:56,563,922, C>T. VCF-style: chrX-56563922-C-T. GRCh37 (hg19) VCF-style: chrX-56590355-C-T.
Other names: short protein forms P17S.
Identifiers: ClinVar variation 2169931 (VCV002169931.4), dbSNP rs1378794338, ClinGen allele CA413377458.

ClinVar aggregate classification (germline): Uncertain significance (1 of 4 stars; one submission).

Conditions:
Amyotrophic lateral sclerosis type 15. Also called: AMYOTROPHIC LATERAL SCLEROSIS 15 WITH FRONTOTEMPORAL DEMENTIA. Identifiers: Orphanet 803, MedGen C3275459, MONDO:0010459, OMIM 300857.

Submission:

Labcorp Genetics (formerly Invitae), Labcorp
Classification: Uncertain significance for Amyotrophic lateral sclerosis type 15. Last evaluated: 2022-07-07. Review status: criteria provided, single submitter. Criteria: Invitae Variant Classification Sherloc (09022015). Collection method: clinical testing. Allele origin: germline.
Comment: In summary, the available evidence is currently insufficient to determine the role of this variant in disease. Therefore, it has been classified as a Variant of Uncertain Significance. This sequence change replaces proline, which is neutral and non-polar, with serine, which is neutral and polar, at codon 17 of the UBQLN2 protein (p.Pro17Ser). This variant is not present in population databases (gnomAD no frequency). This variant has not been reported in the literature in individuals affected with UBQLN2-related conditions. Algorithms developed to predict the effect of missense changes on protein structure and function output the following: SIFT: "Not Available"; PolyPhen-2: "Not Available"; Align-GVGD: "Not Available". The serine amino acid residue is found in multiple mammalian species, which suggests that this missense change does not adversely affect protein function.